The following is an entry in ClinVar:

NM_018662.3(DISC1):c.1117+18828G>A

Genes: DISC1 (DISC1 scaffold protein; plus strand), TSNAX-DISC1 (TSNAX-DISC1 readthrough (NMD candidate); plus strand). Cytogenetic location: 1q42.2.
Variant type: single nucleotide variant.
Coding change: c.1117+18828G>A on transcript NM_018662.3 (MANE Select); 18828 bases into the intron after coding-DNA position 1117, G replaced by A.
Molecular consequence: intron variant. On other transcripts: synonymous variant (1).
Genome position (GRCh38, 1-based): chr1:231,720,852, G>A. VCF-style: chr1-231720852-G-A. GRCh37 (hg19) VCF-style: chr1-231856598-G-A.
Other names: c.1122G>A, p.Leu374= (NM_001164552.2); c.1117+18828G>A (NM_001164537.2, NM_001012957.2, NM_001164540.2 and 12 more transcripts); c.68-29074G>A (NM_001164556.2); c.1047+26047G>A (NM_001164555.2); c.1118-95G>A (NM_001164550.2); c.1118-1687G>A (NM_001164553.2); c.1048-1687G>A (NM_001012958.2).
Identifiers: ClinVar variation 3036507 (VCV003036507.2), dbSNP rs189133240, ClinGen allele CA1453777.

ClinVar aggregate classification (germline): Likely benign (0 of 4 stars; one submission).

Conditions:
DISC1-related disorder. Also called: DISC1-related condition.

Allele frequency attached by ClinVar (database versions not stated): ExAC 0.00011; gnomAD 0.00020; TOPMed 0.00024; gnomAD exomes 0.00026; 1000 Genomes Project 30x 0.00031; 1000 Genomes Project 0.00040; ESP Exome Variant Server 0.00044.
gnomAD v4.1: 325 of 1,290,922 alleles (0.025%); highest among the groups gnomAD compares: Non-Finnish European, 0.03%; 1 homozygote.

Submission:

PreventionGenetics, part of Exact Sciences
Classification: Likely benign for DISC1-related condition. Last evaluated: 2019-12-24. Review status: no assertion criteria provided. Collection method: clinical testing. Allele origin: germline.
Comment: This variant is classified as likely benign based on ACMG/AMP sequence variant interpretation guidelines (Richards et al. 2015 PMID: 25741868, with internal and published modifications).